The following is an entry in ClinVar:

NM_020800.3(IFT80):c.1837-3T>C

Genes: TRIM59-IFT80 (TRIM59-IFT80 readthrough (NMD candidate); minus strand), IFT80 (intraflagellar transport 80; minus strand). Cytogenetic location: 3q25.33.
Variant type: single nucleotide variant.
Coding change: c.1837-3T>C on transcript NM_020800.3 (MANE Select); 3 bases into the intron before coding-DNA position 1837, T replaced by C.
Molecular consequence: intron variant.
Genome position (GRCh38, 1-based): chr3:160,277,673, A>G on the plus strand (T>C on the coding strand, the complement: IFT80 is on the minus strand). VCF-style: chr3-160277673-A-G. GRCh37 (hg19) VCF-style: chr3-159995461-A-G.
Other names: c.1426-3T>C (NM_001190241.2, NM_001190242.2).
Identifiers: ClinVar variation 1474990 (VCV001474990.6), dbSNP rs1714373421, ClinGen allele CA2573136696.

ClinVar aggregate classification (germline): Uncertain significance (1 of 4 stars; one submission).

Conditions:
Jeune thoracic dystrophy. Also called: Short-rib thoracic dysplasia; Jeune syndrome; Infantile thoracic dystrophy; Thoracic pelvic phalangeal dystrophy; Jeune's syndrome; Chondroectodermal dysplasia-like syndrome. Identifiers: Orphanet 474, MedGen C0265275, MONDO:0018770.

Submission:

Labcorp Genetics (formerly Invitae), Labcorp
Classification: Uncertain significance for Jeune thoracic dystrophy. Last evaluated: 2022-06-20. Review status: criteria provided, single submitter. Criteria: Invitae Variant Classification Sherloc (09022015). Collection method: clinical testing. Allele origin: germline.
Comment: In summary, the available evidence is currently insufficient to determine the role of this variant in disease. Therefore, it has been classified as a Variant of Uncertain Significance. Variants that disrupt the consensus splice site are a relatively common cause of aberrant splicing (PMID: 17576681, 9536098). Algorithms developed to predict the effect of sequence changes on RNA splicing suggest that this variant is not likely to affect RNA splicing. This variant has not been reported in the literature in individuals affected with IFT80-related conditions. This variant is not present in population databases (gnomAD no frequency). This sequence change falls in intron 16 of the IFT80 gene. It does not directly change the encoded amino acid sequence of the IFT80 protein. It affects a nucleotide within the consensus splice site.

Literature cited by the submitters: PubMed 17576681; PubMed 9536098.